The following is an entry in ClinVar:

ClinVar aggregate classification (germline): Uncertain significance (1 of 4 stars; one submission).

Conditions:
Inborn genetic diseases. Identifiers: MedGen C0950123, MeSH D030342.

Submission:

Ambry Genetics
Classification: Uncertain significance for Inborn genetic diseases. Last evaluated: 2025-12-29. Review status: criteria provided, single submitter. Criteria: Ambry Variant Classification Scheme 2023. Collection method: clinical testing. Allele origin: germline.
Comment: The p.T169S variant (also known as c.506C>G), located in coding exon 1 of the WT1 gene, results from a C to G substitution at nucleotide position 506. The threonine at codon 169 is replaced by serine, an amino acid with similar properties. This amino acid position is conserved. In addition, the in silico prediction for this alteration is inconclusive. Based on the available evidence, the clinical significance of this variant remains unclear.

NM_024426.6(WT1):c.521C>G (p.Thr174Ser)

Genes: WT1 (WT1 transcription factor; minus strand), LOC107982234 (WT1/WT1-AS bi-directional promoter region; plus strand). Cytogenetic location: 11p13.
Variant type: single nucleotide variant.
Coding change: c.521C>G on transcript NM_024426.6 (MANE Select); coding-DNA position 521, C replaced by G.
Protein change: p.Thr174Ser; replaces threonine 174 with serine.
Molecular consequence: missense variant. On other transcripts: non-coding transcript variant (2).
Genome position (GRCh38, 1-based): chr11:32,434,840, G>C on the plus strand (C>G on the coding strand, the complement: WT1 is on the minus strand). VCF-style: chr11-32434840-G-C. GRCh37 (hg19) VCF-style: chr11-32456386-G-C.
Other names: c.521C>G, p.Thr174Ser (NM_001407049.1, NM_001407050.1, NM_000378.6 and 6 more transcripts); c.302C>G, p.Thr101Ser (NM_001429031.1, NM_001429032.1, NM_001429033.1 and 1 more transcripts); short protein forms T174S, T101S, T169S.
Identifiers: ClinVar variation 4843809 (VCV004843809.1).